The following is an entry in ClinVar:

NM_022168.4(IFIH1):c.1945G>A (p.Gly649Ser)

Gene: IFIH1 (interferon induced with helicase C domain 1; minus strand). Cytogenetic location: 2q24.2.
Variant type: single nucleotide variant.
Coding change: c.1945G>A on transcript NM_022168.4 (MANE Select); coding-DNA position 1945, G replaced by A.
Protein change: p.Gly649Ser; replaces glycine 649 with serine.
Molecular consequence: missense variant.
Genome position (GRCh38, 1-based): chr2:162,277,514, C>T on the plus strand (G>A on the coding strand, the complement: IFIH1 is on the minus strand). VCF-style: chr2-162277514-C-T. GRCh37 (hg19) VCF-style: chr2-163134024-C-T.
Other names: short protein forms G649S.
Identifiers: ClinVar variation 5000404 (VCV005000404.1).

ClinVar aggregate classification (germline): Uncertain significance (1 of 4 stars; one submission).

Conditions:
IFIH1-related disorder. Also called: IFIH1-related condition.

Submission:

PreventionGenetics, part of Exact Sciences
Classification: Uncertain significance for IFIH1-related condition. Last evaluated: 2024-12-05. Review status: criteria provided, single submitter. Criteria: ACMG Guidelines, 2015. Collection method: clinical testing. Allele origin: germline.
Comment: The IFIH1 c.1945G>A variant is predicted to result in the amino acid substitution p.Gly649Ser. To our knowledge, this variant has not been reported in the literature or in a large population database (gnomAD), indicating this variant is rare. At this time, the clinical significance of this variant is uncertain due to the absence of conclusive functional and genetic evidence.